The following is an entry in ClinVar:

NM_001329943.3(KIAA0586):c.3205C>T (p.Pro1069Ser)

Gene: KIAA0586 (KIAA0586; plus strand). Cytogenetic location: 14q23.1.
Variant type: single nucleotide variant.
Coding change: c.3205C>T on transcript NM_001329943.3 (MANE Select); coding-DNA position 3205, C replaced by T.
Protein change: p.Pro1069Ser; replaces proline 1069 with serine.
Molecular consequence: missense variant.
Genome position (GRCh38, 1-based): chr14:58,487,067, C>T. VCF-style: chr14-58487067-C-T. GRCh37 (hg19) VCF-style: chr14-58953785-C-T.
Other names: c.3364C>T, p.Pro1122Ser (NM_001244189.2); c.3160C>T, p.Pro1054Ser (NM_001244190.2); c.2950C>T, p.Pro984Ser (NM_001244191.2, NM_001329945.2, NM_001364700.1 and 1 more transcripts); c.3073C>T, p.Pro1025Ser (NM_001244192.2); c.2785C>T, p.Pro929Ser (NM_001244193.2); c.3205C>T, p.Pro1069Ser (NM_001329944.2, NM_001329946.2, NM_001329947.2); c.2977C>T, p.Pro993Ser (NM_014749.5); short protein forms P1054S, P929S, P984S, P1025S, P1069S, P993S, P1122S.
Identifiers: ClinVar variation 1350793 (VCV001350793.8), dbSNP rs766060506, ClinGen allele CA7206094.

ClinVar aggregate classification (germline): Uncertain significance (1 of 4 stars; one submission).

Conditions:
Short-rib thoracic dysplasia 14 with polydactyly (SRTD14). Identifiers: Orphanet 397715, MedGen C4225286, MONDO:0014688, OMIM 616546.
Joubert syndrome 23 (JBTS23). Identifiers: Orphanet 475, MedGen C4084822, MONDO:0014664, OMIM 616490.

Allele frequency attached by ClinVar (database versions not stated): gnomAD 0.00001; TOPMed 0.00001; gnomAD exomes below 0.00001 and 0.00001; ExAC 0.00001.
gnomAD v4.1: 7 of 1,613,290 alleles (0.00043%); highest among the groups gnomAD compares: African/African-American, 0.0013%; no homozygotes.

Submission:

Labcorp Genetics (formerly Invitae), Labcorp
Classification: Uncertain significance for Joubert syndrome 23; Short-rib thoracic dysplasia 14 with polydactyly. Last evaluated: 2025-04-28. Review status: criteria provided, single submitter. Criteria: Invitae Variant Classification Sherloc (09022015). Collection method: clinical testing. Allele origin: germline.
Comment: This sequence change replaces proline, which is neutral and non-polar, with serine, which is neutral and polar, at codon 1122 of the KIAA0586 protein (p.Pro1122Ser). This variant is present in population databases (rs766060506, gnomAD 0.002%). This variant has not been reported in the literature in individuals affected with KIAA0586-related conditions. ClinVar contains an entry for this variant (Variation ID: 1350793). An algorithm developed to predict the effect of missense changes on protein structure and function outputs the following: PolyPhen-2: "Benign". The serine amino acid residue is found in multiple mammalian species, which suggests that this missense change does not adversely affect protein function. In summary, the available evidence is currently insufficient to determine the role of this variant in disease. Therefore, it has been classified as a Variant of Uncertain Significance.